The following is an entry in ClinVar:

NM_006231.4(POLE):c.6293A>T (p.Asn2098Ile)

Gene: POLE (DNA polymerase epsilon, catalytic subunit; minus strand). Cytogenetic location: 12q24.33.
Variant type: single nucleotide variant.
Coding change: c.6293A>T on transcript NM_006231.4 (MANE Select); coding-DNA position 6293, A replaced by T.
Protein change: p.Asn2098Ile; replaces asparagine 2098 with isoleucine.
Molecular consequence: missense variant.
Genome position (GRCh38, 1-based): chr12:132,632,352, T>A on the plus strand (A>T on the coding strand, the complement: POLE is on the minus strand). VCF-style: chr12-132632352-T-A. GRCh37 (hg19) VCF-style: chr12-133208938-T-A.
Other names: short protein forms N2098I.
Identifiers: ClinVar variation 3649279 (VCV003649279.2).

ClinVar aggregate classification (germline): Uncertain significance (1 of 4 stars; one submission).

Submission:

Labcorp Genetics (formerly Invitae), Labcorp
Classification: Uncertain significance. Last evaluated: 2024-04-09. Review status: criteria provided, single submitter. Criteria: Invitae Variant Classification Sherloc (09022015). Collection method: clinical testing. Allele origin: germline.
Comment: This sequence change replaces asparagine, which is neutral and polar, with isoleucine, which is neutral and non-polar, at codon 2098 of the POLE protein (p.Asn2098Ile). This variant is not present in population databases (gnomAD no frequency). This variant has not been reported in the literature in individuals affected with POLE-related conditions. Advanced modeling of protein sequence and biophysical properties (such as structural, functional, and spatial information, amino acid conservation, physicochemical variation, residue mobility, and thermodynamic stability) performed at Invitae indicates that this missense variant is not expected to disrupt POLE protein function with a negative predictive value of 80%. In summary, the available evidence is currently insufficient to determine the role of this variant in disease. Therefore, it has been classified as a Variant of Uncertain Significance.